The following is an entry in ClinVar:

ClinVar aggregate classification (germline): Uncertain significance (1 of 4 stars; one submission).

Conditions:
Familial sleep-related hypermotor epilepsy. Also called: Autosomal Dominant Sleep-Related Hypermotor (Hyperkinetic) Epilepsy. Identifiers: Orphanet 98784, MedGen C3696898, MONDO:0000030.

Allele frequency attached by ClinVar (database versions not stated): gnomAD exomes below 0.00001; TOPMed below 0.00001.
gnomAD v4.1: 1 of 1,613,128 alleles (0.000062%); highest among the groups gnomAD compares: Non-Finnish European, 0.000085%; no homozygotes.

Submission:

Labcorp Genetics (formerly Invitae), Labcorp
Classification: Uncertain significance. Last evaluated: 2022-03-04. Review status: criteria provided, single submitter. Criteria: Invitae Variant Classification Sherloc (09022015). Collection method: clinical testing. Allele origin: germline.
Comment: In summary, the available evidence is currently insufficient to determine the role of this variant in disease. Therefore, it has been classified as a Variant of Uncertain Significance. Algorithms developed to predict the effect of missense changes on protein structure and function are either unavailable or do not agree on the potential impact of this missense change (SIFT: "Deleterious"; PolyPhen-2: "Probably Damaging"; Align-GVGD: "Class C0"). This sequence change replaces cysteine, which is neutral and slightly polar, with tyrosine, which is neutral and polar, at codon 368 of the CHRNA4 protein (p.Cys368Tyr). This variant is not present in population databases (gnomAD no frequency). This variant has not been reported in the literature in individuals affected with CHRNA4-related conditions.

NM_000744.7(CHRNA4):c.1103G>A (p.Cys368Tyr)

Gene: CHRNA4 (cholinergic receptor nicotinic alpha 4 subunit; minus strand). Cytogenetic location: 20q13.33.
Variant type: single nucleotide variant.
Coding change: c.1103G>A on transcript NM_000744.7 (MANE Select); coding-DNA position 1103, G replaced by A.
Protein change: p.Cys368Tyr; replaces cysteine 368 with tyrosine.
Molecular consequence: missense variant. On other transcripts: non-coding transcript variant (1).
Genome position (GRCh38, 1-based): chr20:63,350,308, C>T on the plus strand (G>A on the coding strand, the complement: CHRNA4 is on the minus strand). VCF-style: chr20-63350308-C-T. GRCh37 (hg19) VCF-style: chr20-61981660-C-T.
Other names: c.575G>A, p.Cys192Tyr (NM_001256573.2); short protein forms C368Y, C192Y.
Identifiers: ClinVar variation 2106240 (VCV002106240.4), dbSNP rs2068570459, ClinGen allele CA409635166.
Genomic context (GRCh38, chr20:63,350,308, plus strand): 5'-GGCTCGGGCCAGAAGCGCGGGGCACTGGCCATCTTATGCATGGACTCGATGAGCCGCCGG[C>T]AATTGTCCTTGACCACGGACGGCCGCTTCATGAGGAGCAGGCGTGGCACGATGTCCAGGA-3'
Protein context (NP_000735.1, residues 358-378): MKRPSVVKDN[Cys368Tyr]RRLIESMHKM